The following is an entry in ClinVar:

Conditions:
Long QT syndrome 5 (LQT5). Identifiers: Orphanet 101016, Orphanet 768, MedGen C1867904, MONDO:0013372, OMIM 613695.

Submission:

Roden Lab, Vanderbilt University Medical Center
No classification provided (evidence only). Condition: Long QT syndrome 5. Review status: no classification provided. Collection method: in vitro. Allele origin: not applicable. Functional consequence: Effect on ion channel function.
ClinVar note: "not provided" was previously submitted as the classification for the variant. However, the classification appeared to be based only on an observation of functional data so it was converted to no classification on 2025-07-30.

NM_000219.6(KCNE1):c.328G>T (p.Glu110Ter)

Gene: KCNE1 (potassium voltage-gated channel subfamily E regulatory subunit 1; minus strand). Cytogenetic location: 21q22.12.
Variant type: single nucleotide variant.
Coding change: c.328G>T on transcript NM_000219.6 (MANE Select); coding-DNA position 328, G replaced by T.
Protein change: p.Glu110Ter; replaces glutamic acid 110 with a stop codon.
Molecular consequence: nonsense.
Genome position (GRCh38, 1-based): chr21:34,449,307, C>A on the plus strand (G>T on the coding strand, the complement: KCNE1 is on the minus strand). VCF-style: chr21-34449307-C-A. GRCh37 (hg19) VCF-style: chr21-35821605-C-A.
Other names: c.328G>T, p.Glu110Ter (NM_001127668.4, NM_001127669.4, NM_001127670.4 and 4 more transcripts); short protein forms E110*.
Identifiers: ClinVar variation 3374652 (VCV003374652.2).